The following is an entry in ClinVar:

NM_001366385.1(CARD14):c.2219G>A (p.Arg740Lys)

Genes: CARD14 (caspase recruitment domain family member 14; plus strand), SGSH (N-sulfoglucosamine sulfohydrolase; minus strand). Cytogenetic location: 17q25.3.
Variant type: single nucleotide variant.
Coding change: c.2219G>A on transcript NM_001366385.1 (MANE Select); coding-DNA position 2219, G replaced by A.
Protein change: p.Arg740Lys; replaces arginine 740 with lysine.
Molecular consequence: missense variant. On other transcripts: non-coding transcript variant (1).
Genome position (GRCh38, 1-based): chr17:80,202,420, G>A. VCF-style: chr17-80202420-G-A. GRCh37 (hg19) VCF-style: chr17-78176219-G-A.
Other names: c.2219G>A, p.Arg740Lys (NM_001257970.1, NM_024110.4); short protein forms R740K.
Identifiers: ClinVar variation 3760611 (VCV003760611.2).
Genomic context (GRCh38, chr17:80,202,420, plus strand): 5'-GCGTGAACTCTTACACCATGAAGGATACTGCCGCGCACGGCACCATCCCCAACTACTCCA[G>A]GTGAGCAGCTGCCTCGAGCTCGGTGCGTCCCCAGAGAGGCCCACAGGGAAATGGCACCCA-3'
Protein context (NP_001353314.1, residues 730-750): AAHGTIPNYS[Arg740Lys]AQQQLIALIQ

ClinVar aggregate classification (germline): Uncertain significance (1 of 4 stars; one submission).

Conditions:
Pityriasis rubra pilaris (PRP). Also called: Pityriasis rubra pilaris--familial type. Identifiers: Orphanet 2897, MedGen C0032027, MONDO:0100017, OMIM 173200, MONDO:0008251.
Psoriasis 2. Identifiers: MedGen C1864497, MONDO:0011269, OMIM 602723.

gnomAD v4.1: 1 of 1,609,360 alleles (0.000062%); no homozygotes.

Submission:

Labcorp Genetics (formerly Invitae), Labcorp
Classification: Uncertain significance for Pityriasis rubra pilaris; Psoriasis 2. Last evaluated: 2024-08-29. Review status: criteria provided, single submitter. Criteria: Invitae Variant Classification Sherloc (09022015). Collection method: clinical testing. Allele origin: germline.
Comment: This sequence change replaces arginine, which is basic and polar, with lysine, which is basic and polar, at codon 740 of the CARD14 protein (p.Arg740Lys). This variant also falls at the last nucleotide of exon 15, which is part of the consensus splice site for this exon. This variant is not present in population databases (gnomAD no frequency). This variant has not been reported in the literature in individuals affected with CARD14-related conditions. An algorithm developed to predict the effect of missense changes on protein structure and function (PolyPhen-2) suggests that this variant is likely to be tolerated. Variants that disrupt the consensus splice site are a relatively common cause of aberrant splicing (PMID: 17576681, 9536098). Algorithms developed to predict the effect of sequence changes on RNA splicing suggest that this variant may disrupt the consensus splice site. In summary, the available evidence is currently insufficient to determine the role of this variant in disease. Therefore, it has been classified as a Variant of Uncertain Significance.

Literature cited by the submitters: PubMed 17576681; PubMed 9536098.